The following is an entry in ClinVar:

ClinVar aggregate classification (germline): Likely benign (1 of 4 stars; one submission).

Submission:

CeGaT Center for Human Genetics Tuebingen
Classification: Likely benign. Last evaluated: 2025-06-01. Review status: criteria provided, single submitter. Criteria: CeGaT Center For Human Genetics Tuebingen Variant Classification Criteria Version 2. Collection method: clinical testing. Allele origin: germline. Affected: yes. Observed: 2 variant alleles.
Comment: PHLPP1: BS2

NM_194449.4(PHLPP1):c.90AGC[4] (p.Ala40del)

Gene: PHLPP1 (PH domain and leucine rich repeat protein phosphatase 1; plus strand). Cytogenetic location: 18q21.33.
Variant type: Microsatellite.
Coding change: c.90AGC[4] on transcript NM_194449.4 (MANE Select); four copies in a row of the 3-base unit AGC starting at c.90; the reference has five copies in a row; one copy, 3 bases deleted.
Protein change: p.Ala40del; deletes alanine 40.
Molecular consequence: inframe deletion.
Genome position (GRCh38, 1-based): chr18:62,715,785-62,715,787, AGC deleted; deleting any 3 consecutive bases within chr18:62,715,771-62,715,787 gives the same sequence; the position shown is the placement nearest the transcript's 3' end. VCF-style (leftmost placement, unchanged base first): chr18-62715770-GGCA-G. GRCh37 (hg19) VCF-style: chr18-60383003-GGCA-G.
Other names: short protein forms A40del.
Identifiers: ClinVar variation 3898221 (VCV003898221.7).